The following is an entry in ClinVar:

ClinVar aggregate classification (germline): Pathogenic. Review status: criteria provided, multiple submitters, no conflicts (2 of 4 stars). 3 submissions from 3 submitters: Pathogenic (3). Last evaluated 2024-04-10.

Conditions:
Congenital myopathy with fiber type disproportion. Also called: Congenital fiber-type disproportion myopathy; Congenital fiber-type disproportion. Identifiers: Orphanet 2020, MedGen C0546264, MONDO:0009711. Inheritance: all.
Actin accumulation myopathy (CMYO2A). Also called: Myopathy, actin, congenital, with excess of thin myofilaments; CONGENITAL MYOPATHY 2A, TYPICAL, AUTOSOMAL DOMINANT; Nemaline myopathy type 3; Myopathy, actin, congenital, with cores; Nemaline myopathy 3, with intranuclear rods. Identifiers: Orphanet 98904, MedGen C3711389, MONDO:0008070, OMIM 161800.
Congenital myopathy 2c, severe infantile, autosomal dominant (CMYO2C). Identifiers: MedGen C5830333, MONDO:0859523, OMIM 620278.

gnomAD v4.1: 4 of 1,613,416 alleles (0.00025%); highest among the groups gnomAD compares: Non-Finnish European, 0.00025%; no homozygotes.

Submissions (3):

Women's Health and Genetics/Laboratory Corporation of America, LabCorp
Classification: Pathogenic for Congenital myopathy 2c, severe infantile, autosomal dominant. Last evaluated: 2024-04-10. Review status: criteria provided, single submitter. Criteria: LabCorp Variant Classification Summary - May 2015. Collection method: clinical testing. Allele origin: germline.
Comment: Variant summary: ACTA1 c.682G>T (p.Glu228X) results in a premature termination codon, predicted to cause absence of the protein due to nonsense mediated decay, which is a commonly known mechanism for ACTA1-related AR alpha-actinopathy. The variant was absent in 250632 control chromosomes. c.682G>T has been reported in the literature in at-least one individual from a cohort of Early-Onset Myopathies, however detailed information was not available (Vill_2017). To our knowledge, no experimental evidence demonstrating an impact on protein function has been reported. The following publication have been ascertained in the context of this evaluation (PMID: 29172004). ClinVar contains an entry for this variant (Variation ID: 807361). Based on the evidence outlined above, the variant was classified as pathogenic.

Labcorp Genetics (formerly Invitae), Labcorp
Classification: Pathogenic for Actin accumulation myopathy. Last evaluated: 2022-06-27. Review status: criteria provided, single submitter. Criteria: Invitae Variant Classification Sherloc (09022015). Collection method: clinical testing. Allele origin: germline.
Comment: For these reasons, this variant has been classified as Pathogenic. ClinVar contains an entry for this variant (Variation ID: 807361). This premature translational stop signal has been observed in individual(s) with autosomal recessive ACTA1-related conditions (PMID: 29172004). This variant is not present in population databases (gnomAD no frequency). This sequence change creates a premature translational stop signal (p.Glu228*) in the ACTA1 gene. It is expected to result in an absent or disrupted protein product. Loss-of-function variants in ACTA1 are known to be pathogenic (PMID: 19562689).

Institute of Human Genetics Munich, TUM University Hospital
Classification: Pathogenic for Congenital myopathy 4A, autosomal dominant. Last evaluated: 2017-10-27. Review status: criteria provided, single submitter. Criteria: Classification criteria August 2017. Collection method: clinical testing. Allele origin: germline. Inheritance: Autosomal recessive inheritance. Affected: yes. Observed: 1 homozygote.

Literature cited by the submitters: PubMed 29172004 (cited by Women's Health and Genetics/Laboratory Corporation of America, LabCorp and Labcorp Genetics (formerly Invitae), Labcorp); PubMed 19562689 (cited by Labcorp Genetics (formerly Invitae), Labcorp).

NM_001100.4(ACTA1):c.682G>T (p.Glu228Ter)

Gene: ACTA1 (actin alpha 1, skeletal muscle; minus strand). Cytogenetic location: 1q42.13.
Variant type: single nucleotide variant.
Coding change: c.682G>T on transcript NM_001100.4 (MANE Select); coding-DNA position 682, G replaced by T.
Protein change: p.Glu228Ter; replaces glutamic acid 228 with a stop codon.
Molecular consequence: nonsense.
Genome position (GRCh38, 1-based): chr1:229,432,120, C>A on the plus strand (G>T on the coding strand, the complement: ACTA1 is on the minus strand). VCF-style: chr1-229432120-C-A. GRCh37 (hg19) VCF-style: chr1-229567867-C-A.
Other names: short protein forms E228*.
Identifiers: ClinVar variation 807361 (VCV000807361.10), dbSNP rs1558081664, ClinGen allele CA345147089.
Genomic context (GRCh38, chr1:229,432,120, plus strand): 5'-GCCCGTCTGGCAGCTCGTAGCTCTTTTCCAGGGAGGAGGAGGAGGCGGCCGTCGCCATCT[C>A]GTTCTCGAAGTCCAGGGCCACGTAGCACAGCTTCTCCTTGATGTCGCGCACGATCTCGCG-3'